The following is an entry in ClinVar:

NM_000264.5(PTCH1):c.2365G>T (p.Asp789Tyr)

Genes: PTCH1 (patched 1; minus strand), LOC100507346 (uncharacterized LOC100507346; plus strand). Cytogenetic location: 9q22.32.
Variant type: single nucleotide variant.
Coding change: c.2365G>T on transcript NM_000264.5 (MANE Select); coding-DNA position 2365, G replaced by T.
Protein change: p.Asp789Tyr; replaces aspartic acid 789 with tyrosine.
Molecular consequence: missense variant.
Genome position (GRCh38, 1-based): chr9:95,467,311, C>A on the plus strand (G>T on the coding strand, the complement: PTCH1 is on the minus strand). VCF-style: chr9-95467311-C-A. GRCh37 (hg19) VCF-style: chr9-98229593-C-A.
Other names: c.2167G>T, p.Asp723Tyr (NM_001083602.3); c.2362G>T, p.Asp788Tyr (NM_001083603.3); c.1912G>T, p.Asp638Tyr (NM_001083604.3, NM_001083605.3, NM_001083606.3 and 1 more transcripts); c.2209G>T, p.Asp737Tyr (NM_001354918.2); short protein forms D723Y, D789Y, D638Y, D737Y, D788Y.
Identifiers: ClinVar variation 4674934 (VCV004674934.2).

ClinVar aggregate classification (germline): Uncertain significance (1 of 4 stars; one submission).

Conditions:
Hereditary cancer-predisposing syndrome. Also called: Hereditary Cancer Syndrome; Hereditary neoplastic syndrome; Neoplastic Syndromes, Hereditary; Tumor predisposition. Identifiers: Orphanet 140162, MedGen C0027672, MeSH D009386, MONDO:0015356.

gnomAD v4.1: 1 of 1,614,190 alleles (0.000062%); highest among the groups gnomAD compares: Non-Finnish European, 0.000085%; no homozygotes.

Submission:

Ambry Genetics
Classification: Uncertain significance for Hereditary cancer-predisposing syndrome. Last evaluated: 2026-09-11. Review status: criteria provided, single submitter. Criteria: Ambry Variant Classification Scheme 2023. Collection method: clinical testing. Allele origin: germline.
Comment: The p.D789Y variant (also known as c.2365G>T), located in coding exon 15 of the PTCH1 gene, results from a G to T substitution at nucleotide position 2365. The aspartic acid at codon 789 is replaced by tyrosine, an amino acid with highly dissimilar properties. This amino acid position is conserved. In addition, this alteration is predicted to be deleterious by in silico analysis. Based on the available evidence, the clinical significance of this variant remains unclear.